The following is an entry in ClinVar:

NM_024422.6(DSC2):c.1729A>C (p.Ile577Leu)

Gene: DSC2 (desmocollin 2; minus strand). Cytogenetic location: 18q12.1.
Variant type: single nucleotide variant.
Coding change: c.1729A>C on transcript NM_024422.6 (MANE Select); coding-DNA position 1729, A replaced by C.
Protein change: p.Ile577Leu; replaces isoleucine 577 with leucine.
Molecular consequence: missense variant.
Genome position (GRCh38, 1-based): chr18:31,074,842, T>G on the plus strand (A>C on the coding strand, the complement: DSC2 is on the minus strand). VCF-style: chr18-31074842-T-G. GRCh37 (hg19) VCF-style: chr18-28654808-T-G.
Other names: c.1300A>C, p.Ile434Leu (NM_001406506.1, NM_001406507.1); c.1729A>C, p.Ile577Leu (NM_004949.5); short protein forms I434L, I577L.
Identifiers: ClinVar variation 3612187 (VCV003612187.3).

ClinVar aggregate classification (germline): Conflicting classifications of pathogenicity. Review status: criteria provided, conflicting classifications (1 of 4 stars). 2 submissions from 2 submitters: Uncertain significance (1); Likely benign (1). Last evaluated 2025-08-18.

Conditions:
Cardiomyopathy (CMYO). Also called: Cardiomyopathies. Identifiers: Orphanet 167848, MedGen C0878544, MONDO:0004994, HP:0001638. Inheritance: Various modes of inheritance.
Arrhythmogenic right ventricular dysplasia 11. Also called: ARRHYTHMOGENIC RIGHT VENTRICULAR DYSPLASIA, FAMILIAL, 11; Arrhythmogenic Right Ventricular Dysplasia/Cardiomyopathy11; Arrhythmogenic right ventricular dysplasia 11 with mild palmoplantar keratoderma and woolly hair. Identifiers: MedGen C1864850, MONDO:0012506, OMIM 610476.

gnomAD v4.1: 18 of 1,613,872 alleles (0.0011%); highest among the groups gnomAD compares: Admixed American, 0.03%; no homozygotes.

Submissions (2):

Color Diagnostics, LLC DBA Color Health
Classification: Likely benign for Cardiomyopathy. Last evaluated: 2025-08-18. Review status: criteria provided, single submitter. Criteria: ACMG Guidelines, 2015. Collection method: clinical testing. Allele origin: germline.

Labcorp Genetics (formerly Invitae), Labcorp
Classification: Uncertain significance for Arrhythmogenic right ventricular dysplasia 11. Last evaluated: 2024-09-02. Review status: criteria provided, single submitter. Criteria: Invitae Variant Classification Sherloc (09022015). Collection method: clinical testing. Allele origin: germline.
Comment: This sequence change replaces isoleucine, which is neutral and non-polar, with leucine, which is neutral and non-polar, at codon 577 of the DSC2 protein (p.Ile577Leu). This variant is present in population databases (no rsID available, gnomAD 0.02%). This variant has not been reported in the literature in individuals affected with DSC2-related conditions. Invitae Evidence Modeling of protein sequence and biophysical properties (such as structural, functional, and spatial information, amino acid conservation, physicochemical variation, residue mobility, and thermodynamic stability) has been performed for this missense variant. However, the output from this modeling did not meet the statistical confidence thresholds required to predict the impact of this variant on DSC2 protein function. In summary, the available evidence is currently insufficient to determine the role of this variant in disease. Therefore, it has been classified as a Variant of Uncertain Significance.